The following is an entry in ClinVar:

NM_018052.5(VAC14):c.2329G>A (p.Asp777Asn)

Gene: VAC14 (VAC14 component of PIKFYVE complex; minus strand). Cytogenetic location: 16q22.1.
Variant type: single nucleotide variant.
Coding change: c.2329G>A on transcript NM_018052.5 (MANE Select); coding-DNA position 2329, G replaced by A.
Protein change: p.Asp777Asn; replaces aspartic acid 777 with asparagine.
Molecular consequence: missense variant.
Genome position (GRCh38, 1-based): chr16:70,687,948, C>T on the plus strand (G>A on the coding strand, the complement: VAC14 is on the minus strand). VCF-style: chr16-70687948-C-T. GRCh37 (hg19) VCF-style: chr16-70721851-C-T.
Other names: c.1627G>A, p.Asp543Asn (NM_001351157.2); short protein forms D777N, D543N.
Identifiers: ClinVar variation 1495009 (VCV001495009.6), dbSNP rs769536879, ClinGen allele CA8147320.

ClinVar aggregate classification (germline): Uncertain significance (1 of 4 stars; one submission).

Allele frequency attached by ClinVar (database versions not stated): gnomAD exomes below 0.00001.
gnomAD v4.1: 2 of 1,571,796 alleles (0.00013%); highest among the groups gnomAD compares: South Asian, 0.0023%; no homozygotes.

Submission:

Labcorp Genetics (formerly Invitae), Labcorp
Classification: Uncertain significance. Last evaluated: 2021-06-03. Review status: criteria provided, single submitter. Criteria: Invitae Variant Classification Sherloc (09022015). Collection method: clinical testing. Allele origin: germline.
Comment: This sequence change replaces aspartic acid with asparagine at codon 777 of the VAC14 protein (p.Asp777Asn). The aspartic acid residue is moderately conserved and there is a small physicochemical difference between aspartic acid and asparagine. This variant is present in population databases (rs769536879, ExAC 0.03%). This variant has not been reported in the literature in individuals with VAC14-related conditions. Algorithms developed to predict the effect of missense changes on protein structure and function (SIFT, PolyPhen-2, Align-GVGD) all suggest that this variant is likely to be tolerated, but these predictions have not been confirmed by published functional studies and their clinical significance is uncertain. In summary, the available evidence is currently insufficient to determine the role of this variant in disease. Therefore, it has been classified as a Variant of Uncertain Significance.